The following is an entry in ClinVar:

NM_198503.5(KCNT2):c.535A>T (p.Asn179Tyr)

Gene: KCNT2 (potassium sodium-activated channel subfamily T member 2; minus strand). Cytogenetic location: 1q31.3.
Variant type: single nucleotide variant.
Coding change: c.535A>T on transcript NM_198503.5 (MANE Select); coding-DNA position 535, A replaced by T.
Protein change: p.Asn179Tyr; replaces asparagine 179 with tyrosine.
Molecular consequence: missense variant. On other transcripts: non-coding transcript variant (2).
Genome position (GRCh38, 1-based): chr1:196,467,711, T>A on the plus strand (A>T on the coding strand, the complement: KCNT2 is on the minus strand). VCF-style: chr1-196467711-T-A. GRCh37 (hg19) VCF-style: chr1-196436841-T-A.
Other names: c.535A>T, p.Asn179Tyr (NM_001287819.3, NM_001287820.3); short protein forms N179Y.
Identifiers: ClinVar variation 1038932 (VCV001038932.8), dbSNP rs1677744571, ClinGen allele CA344082039.

ClinVar aggregate classification (germline): Uncertain significance (1 of 4 stars; one submission).

Submission:

Labcorp Genetics (formerly Invitae), Labcorp
Classification: Uncertain significance. Last evaluated: 2020-07-20. Review status: criteria provided, single submitter. Criteria: Invitae Variant Classification Sherloc (09022015). Collection method: clinical testing. Allele origin: germline.
Comment: In summary, the available evidence is currently insufficient to determine the role of this variant in disease. Therefore, it has been classified as a Variant of Uncertain Significance. Algorithms developed to predict the effect of missense changes on protein structure and function are either unavailable or do not agree on the potential impact of this missense change (SIFT: "Tolerated"; PolyPhen-2: "Probably Damaging"; Align-GVGD: "Class C0"). This variant has not been reported in the literature in individuals with KCNT2-related conditions. This variant is not present in population databases (ExAC no frequency). This sequence change replaces asparagine with tyrosine at codon 179 of the KCNT2 protein (p.Asn179Tyr). The asparagine residue is moderately conserved and there is a large physicochemical difference between asparagine and tyrosine.